The following is an entry in ClinVar:

ClinVar aggregate classification (germline): Conflicting classifications of pathogenicity. Review status: criteria provided, conflicting classifications (1 of 4 stars). 3 submissions from 3 submitters: Uncertain significance (1); Likely benign (2). Last evaluated 2025-04-16.

Conditions:
Inborn genetic diseases. Identifiers: MedGen C0950123, MeSH D030342.

Allele frequency attached by ClinVar (database versions not stated): gnomAD 0.00002 and 0.00003; gnomAD exomes 0.00005 and 0.00012; TOPMed 0.00005; ExAC 0.00009.
gnomAD v4.1: 73 of 1,614,072 alleles (0.0045%); highest among the groups gnomAD compares: East Asian, 0.036%; no homozygotes.

Submissions (3):

GeneDx
Classification: Uncertain significance. Last evaluated: 2025-04-16. Review status: criteria provided, single submitter. Criteria: GeneDx Variant Classification Process June 2021. Collection method: clinical testing. Allele origin: germline. Affected: yes.
Comment: In silico analysis supports that this missense variant has a deleterious effect on protein structure/function; Has not been previously published as pathogenic or benign to our knowledge

Labcorp Genetics (formerly Invitae), Labcorp
Classification: Likely benign. Last evaluated: 2023-08-31. Review status: criteria provided, single submitter. Criteria: Invitae Variant Classification Sherloc (09022015). Collection method: clinical testing. Allele origin: germline.

Ambry Genetics
Classification: Likely benign for Inborn genetic diseases. Last evaluated: 2023-05-03. Review status: criteria provided, single submitter. Criteria: Ambry Variant Classification Scheme 2023. Collection method: clinical testing. Allele origin: germline.

NM_001457.4(FLNB):c.5741G>A (p.Arg1914Gln)

Gene: FLNB (filamin B; plus strand). Cytogenetic location: 3p14.3.
Variant type: single nucleotide variant.
Coding change: c.5741G>A on transcript NM_001457.4 (MANE Select); coding-DNA position 5741, G replaced by A.
Protein change: p.Arg1914Gln; replaces arginine 1914 with glutamine.
Molecular consequence: missense variant.
Genome position (GRCh38, 1-based): chr3:58,148,218, G>A. VCF-style: chr3-58148218-G-A. GRCh37 (hg19) VCF-style: chr3-58133945-G-A.
Other names: c.5834G>A, p.Arg1945Gln (NM_001164317.2); c.5708G>A, p.Arg1903Gln (NM_001164318.2); c.5669G>A, p.Arg1890Gln (NM_001164319.2); c.5741G>A (NM_001457.3); short protein forms R1890Q, R1903Q, R1914Q, R1945Q.
Identifiers: ClinVar variation 1605045 (VCV001605045.11), dbSNP rs775212974, ClinGen allele CA2469153.
Genomic context (GRCh38, chr3:58,148,218, plus strand): 5'-CAGGGTAACCACATGTAACGGGAGTCCTTTTTGGGGGATGTTTCCCAGATGACAGCAGGC[G>A]GTGCTCCCAGGTGAAGTTGGGCTCAGCCGCTGACTTCCTGCTCGACATCAGTGAGACTGA-3'
Protein context (NP_001448.2, residues 1904-1924): FTAKITDDSR[Arg1914Gln]CSQVKLGSAA